The following is an entry in ClinVar:

NM_000337.6(SGCD):c.803A>G (p.Asn268Ser)

Gene: SGCD (sarcoglycan delta; plus strand). Cytogenetic location: 5q33.3.
Variant type: single nucleotide variant.
Coding change: c.803A>G on transcript NM_000337.6 (MANE Select); coding-DNA position 803, A replaced by G.
Protein change: p.Asn268Ser; replaces asparagine 268 with serine.
Molecular consequence: missense variant.
Genome position (GRCh38, 1-based): chr5:156,759,320, A>G. VCF-style: chr5-156759320-A-G. GRCh37 (hg19) VCF-style: chr5-156186331-A-G.
Other names: c.800A>G, p.Asn267Ser (NM_001128209.2); short protein forms N267S, N268S.
Identifiers: ClinVar variation 1201911 (VCV001201911.4), dbSNP rs762681488, ClinGen allele CA3530701.

ClinVar aggregate classification (germline): Uncertain significance. Review status: criteria provided, multiple submitters, no conflicts (2 of 4 stars). 2 submissions from 2 submitters: Uncertain significance (2). Last evaluated 2026-06-09.

Conditions:
Inborn genetic diseases. Identifiers: MedGen C0950123, MeSH D030342.

Allele frequency attached by ClinVar (database versions not stated): gnomAD exomes below 0.00001; ExAC 0.00001; gnomAD 0.00001.
gnomAD v4.1: 8 of 1,613,426 alleles (0.0005%); highest among the groups gnomAD compares: East Asian, 0.0022%; no homozygotes.

Submissions (2):

Ambry Genetics
Classification: Uncertain significance for Inborn genetic diseases. Last evaluated: 2026-06-09. Review status: criteria provided, single submitter. Criteria: Ambry Variant Classification Scheme 2023. Collection method: clinical testing. Allele origin: germline.
Comment: The p.N268S variant (also known as c.803A>G), located in coding exon 8 of the SGCD gene, results from an A to G substitution at nucleotide position 803. The asparagine at codon 268 is replaced by serine, an amino acid with highly similar properties. This amino acid position is conserved. In addition, the in silico prediction for this alteration is inconclusive. Based on the available evidence, the clinical significance of this variant remains unclear.

GeneDx
Classification: Uncertain significance. Last evaluated: 2019-12-03. Review status: criteria provided, single submitter. Criteria: GeneDx Variant Classification Process June 2021. Collection method: clinical testing. Allele origin: germline. Affected: yes.
Comment: Not observed at a significant frequency in large population cohorts (Lek et al., 2016); In silico analysis, which includes protein predictors and evolutionary conservation, supports that this variant does not alter protein structure/function; Has not been previously published as pathogenic or benign to our knowledge